The following is an entry in ClinVar:

NM_000051.4(ATM):c.6684A>C (p.Thr2228=)

Genes: ATM (ATM serine/threonine kinase; plus strand), C11orf65 (chromosome 11 open reading frame 65; minus strand). Cytogenetic location: 11q22.3.
Variant type: single nucleotide variant.
Coding change: c.6684A>C on transcript NM_000051.4 (MANE Select); coding-DNA position 6684, A replaced by C.
Protein change: p.Thr2228=; no amino-acid change (threonine 2228 retained).
Molecular consequence: synonymous variant. On other transcripts: intron variant (2).
Genome position (GRCh38, 1-based): chr11:108,325,421, A>C. VCF-style: chr11-108325421-A-C. GRCh37 (hg19) VCF-style: chr11-108196148-A-C.
Other names: c.6684A>C, p.Thr2228= (NM_001351834.2); c.641-16350T>G (NM_001330368.2); c.*38+9799T>G (NM_001351110.2).
Identifiers: ClinVar variation 3254197 (VCV003254197.1), dbSNP rs2136312724.
Genomic context (GRCh38, chr11:108,325,421, plus strand): 5'-CTCCCAGCTTCTCAAGGACAGTGATTTTAGTTTTCAGGAGCCTATCATGGCTCTACGCAC[A>C]GTCATTTTGGAGATCCTGATGGAAAAGGAAATGGACAACTCACAAAGAGAATGTATTAAG-3'
Protein context (NP_000042.3, residues 2218-2238): SFQEPIMALR[Thr2228=]VILEILMEKE

ClinVar aggregate classification (germline): Benign (1 of 4 stars; one submission).

Conditions:
Familial cancer of breast. Also called: hereditary breast carcinoma; BREAST CANCER, FAMILIAL; Hereditary breast cancer. Identifiers: Orphanet 227535, MedGen C0346153, MONDO:0016419, OMIM 114480. Disease mechanism: loss of function.

Submission:

Myriad Genetics, Inc.
Classification: Benign for Familial cancer of breast. Last evaluated: 2024-06-10. Review status: criteria provided, single submitter. Criteria: Myriad Autosomal Dominant, Autosomal Recessive and X-Linked Classification Criteria (2023). Collection method: clinical testing. Allele origin: unknown.
Comment: This variant is considered benign. This variant is a silent/synonymous amino acid change and it is not expected to impact splicing.